The following is an entry in ClinVar:

NM_000059.4(BRCA2):c.3553A>G (p.Thr1185Ala)

Gene: BRCA2 (BRCA2 DNA repair associated; plus strand). Cytogenetic location: 13q13.1.
Variant type: single nucleotide variant.
Coding change: c.3553A>G on transcript NM_000059.4 (MANE Select); coding-DNA position 3553, A replaced by G.
Protein change: p.Thr1185Ala; replaces threonine 1185 with alanine.
Molecular consequence: missense variant.
Genome position (GRCh38, 1-based): chr13:32,337,908, A>G. VCF-style: chr13-32337908-A-G. GRCh37 (hg19) VCF-style: chr13-32912045-A-G.
Other names: short protein forms T1185A.
Identifiers: ClinVar variation 185827 (VCV000185827.20), dbSNP rs786202485, ClinGen allele CA018312.

ClinVar aggregate classification (germline): Conflicting classifications of pathogenicity. Review status: criteria provided, conflicting classifications (1 of 4 stars). 5 submissions from 5 submitters: Uncertain significance (4); Likely benign (1). Last evaluated 2025-10-25.

Conditions:
Hereditary breast ovarian cancer syndrome. Also called: Hereditary breast and ovarian cancer; Hereditary breast and ovarian cancer syndrome; Breast and ovarian cancer; Hereditary breast and ovarian cancer syndrome (HBOC); Hereditary breast and/or ovarian cancer syndrome; BRCA1- and BRCA2-Associated Hereditary Breast and Ovarian Cancer. Identifiers: Orphanet 145, MedGen C0677776, MeSH D061325, MONDO:0003582. Disease mechanism: loss of function.
Hereditary cancer-predisposing syndrome. Also called: Hereditary Cancer Syndrome; Neoplastic Syndromes, Hereditary; Tumor predisposition; Hereditary neoplastic syndrome. Identifiers: Orphanet 140162, MedGen C0027672, MeSH D009386, MONDO:0015356.
BRCA2-related disorder. Also called: BRCA2-related condition; BRCA2-related disorders. Identifiers: MedGen CN239275.
Breast-ovarian cancer, familial, susceptibility to, 2 (BROVCA2). Also called: BRCA2 Hereditary Breast and Ovarian Cancer. Identifiers: Orphanet 145, MedGen C2675520, MONDO:0012933, OMIM 612555. Disease mechanism: loss of function.

Allele frequency attached by ClinVar (database versions not stated): gnomAD exomes below 0.00001; TOPMed below 0.00001.
gnomAD v4.1: 1 of 1,614,132 alleles (0.000062%); highest among the groups gnomAD compares: Non-Finnish European, 0.000085%; no homozygotes.

Submissions (5):

Ambry Genetics
Classification: Uncertain significance for Hereditary cancer-predisposing syndrome. Last evaluated: 2025-10-25. Review status: criteria provided, single submitter. Criteria: Ambry Variant Classification Scheme 2023. Collection method: clinical testing. Allele origin: germline.
Comment: The p.T1185A variant (also known as c.3553A>G), located in coding exon 10 of the BRCA2 gene, results from an A to G substitution at nucleotide position 3553. The threonine at codon 1185 is replaced by alanine, an amino acid with similar properties. This amino acid position is poorly conserved in available vertebrate species. In addition, this alteration is predicted to be tolerated by in silico analysis. Since supporting evidence is limited at this time, the clinical significance of this alteration remains unclear.

PreventionGenetics, part of Exact Sciences
Classification: Uncertain significance for BRCA2-related condition. Last evaluated: 2023-09-29. Review status: criteria provided, single submitter. Criteria: ACMG Guidelines, 2015. Collection method: clinical testing. Allele origin: germline.
Comment: The BRCA2 c.3553A>G variant is predicted to result in the amino acid substitution p.Thr1185Ala. To our knowledge, this variant has not been reported in the literature or in a large population database, indicating this variant is rare. In the ClinVar database, this variant has been interpreted as 'uncertain' or 'likely benign' by outside laboratories. At this time, the clinical significance of this variant is uncertain due to the absence of conclusive functional and genetic evidence.

University of Washington Department of Laboratory Medicine, University of Washington
Classification: Likely benign for Hereditary cancer-predisposing syndrome. Last evaluated: 2023-03-23. Review status: criteria provided, single submitter. Criteria: Dines et al. (Genet Med. 2020). Collection method: curation. Allele origin: germline.
Comment: Missense variant in a coldspot region where missense variants are very unlikely to be pathogenic (PMID:31911673).

BRCA2 exon 11 coldspot. Reclassification based on statistical prior probability.

Labcorp Genetics (formerly Invitae), Labcorp
Classification: Uncertain significance for Hereditary breast ovarian cancer syndrome. Last evaluated: 2023-03-19. Review status: criteria provided, single submitter. Criteria: Invitae Variant Classification Sherloc (09022015). Collection method: clinical testing. Allele origin: germline.
Comment: In summary, the available evidence is currently insufficient to determine the role of this variant in disease. Therefore, it has been classified as a Variant of Uncertain Significance. Advanced modeling of protein sequence and biophysical properties (such as structural, functional, and spatial information, amino acid conservation, physicochemical variation, residue mobility, and thermodynamic stability) performed at Invitae indicates that this missense variant is not expected to disrupt BRCA2 protein function. ClinVar contains an entry for this variant (Variation ID: 185827). This variant has not been reported in the literature in individuals affected with BRCA2-related conditions. This variant is not present in population databases (gnomAD no frequency). This sequence change replaces threonine, which is neutral and polar, with alanine, which is neutral and non-polar, at codon 1185 of the BRCA2 protein (p.Thr1185Ala).

All of Us Research Program, National Institutes of Health
Classification: Uncertain significance for Breast-ovarian cancer, familial, susceptibility to, 2. Last evaluated: 2022-12-16. Review status: criteria provided, single submitter. Criteria: ACMG Guidelines, 2015. Collection method: clinical testing. Allele origin: germline. Inheritance: Autosomal dominant inheritance. Observed: 1 variant allele, 1 heterozygote.
Comment: This missense variant replaces threonine with alanine at codon 1185 of the BRCA2 protein. Computational prediction suggests that this variant may not impact protein structure and function (internally defined REVEL score threshold <= 0.5, PMID: 27666373). To our knowledge, functional studies have not been reported for this variant. This variant has not been reported in individuals affected with hereditary cancer in the literature. This variant has not been identified in the general population by the Genome Aggregation Database (gnomAD). The available evidence is insufficient to determine the role of this variant in disease conclusively. Therefore, this variant is classified as a Variant of Uncertain Significance.

This study involves interpretation of variants in research participants for the purpose of population health screening. Participant phenotype was not available at the time of variant classification. Additional details can be found in publication PMID: 35346344, PMCID: PMC8962531